The following is an entry in ClinVar:

NM_013444.4(UBQLN2):c.1752A>G (p.Gln584=)

Gene: UBQLN2 (ubiquilin 2; plus strand). Cytogenetic location: Xp11.21.
Variant type: single nucleotide variant.
Coding change: c.1752A>G on transcript NM_013444.4 (MANE Select); coding-DNA position 1752, A replaced by G.
Protein change: p.Gln584=; no amino-acid change (glutamine 584 retained).
Molecular consequence: synonymous variant.
Genome position (GRCh38, 1-based): chrX:56,565,625, A>G. VCF-style: chrX-56565625-A-G. GRCh37 (hg19) VCF-style: chrX-56592058-A-G.
Other names: p.Gln584=.
Identifiers: ClinVar variation 4684530 (VCV004684530.1).
Genomic context (GRCh38, chrX:56,565,625, plus strand): 5'-GCAGGCCCTGGCTGGAGCAAATGCTCCACAGCTGCCGAATCCAGAAGTCAGATTTCAGCA[A>G]CAACTGGAACAGCTCAACGCAATGGGGTTCTTAAACCGTGAAGCAAACTTGCAGGCCCTA-3'
Protein context (NP_038472.2, residues 574-594): QLPNPEVRFQ[Gln584=]QLEQLNAMGF

ClinVar aggregate classification (germline): Likely benign (1 of 4 stars; one submission).

Submission:

Mayo Clinic Laboratories, Mayo Clinic
Classification: Likely benign. Last evaluated: 2025-06-09. Review status: criteria provided, single submitter. Criteria: ACMG Guidelines, 2015. Collection method: clinical testing. Allele origin: germline. Observed: 1 variant allele.
Comment: BP4, BP7